The following is an entry in ClinVar:

ClinVar aggregate classification (germline): Uncertain significance. Review status: criteria provided, multiple submitters, no conflicts (2 of 4 stars). 4 submissions from 4 submitters: Uncertain significance (4). Last evaluated 2025-07-07.

Conditions:
Fanconi anemia (FA). Also called: Fanconi's anemia. Identifiers: Orphanet 84, MedGen C0015625, MeSH D005199, MONDO:0019391.
Fanconi anemia complementation group F. Also called: FANCF-Related Fanconi Anemia. Identifiers: Orphanet 84, MedGen C3469526, MONDO:0011325, OMIM 603467.
Inborn genetic diseases. Identifiers: MedGen C0950123, MeSH D030342.

Allele frequency attached by ClinVar (database versions not stated): gnomAD exomes 0.00001; TOPMed 0.00003; ExAC 0.00002; gnomAD 0.00003; 1000 Genomes Project 30x 0.00031.

Submissions (4):

Labcorp Genetics (formerly Invitae), Labcorp
Classification: Uncertain significance for Fanconi anemia. Last evaluated: 2025-07-07. Review status: criteria provided, single submitter. Criteria: Invitae Variant Classification Sherloc (09022015). Collection method: clinical testing. Allele origin: germline.
Comment: This sequence change replaces arginine, which is basic and polar, with glycine, which is neutral and non-polar, at codon 122 of the FANCF protein (p.Arg122Gly). This variant is present in population databases (rs759470099, gnomAD 0.003%). This variant has not been reported in the literature in individuals affected with FANCF-related conditions. ClinVar contains an entry for this variant (Variation ID: 970279). Invitae Evidence Modeling of protein sequence and biophysical properties (such as structural, functional, and spatial information, amino acid conservation, physicochemical variation, residue mobility, and thermodynamic stability) indicates that this missense variant is not expected to disrupt FANCF protein function with a negative predictive value of 80%. In summary, the available evidence is currently insufficient to determine the role of this variant in disease. Therefore, it has been classified as a Variant of Uncertain Significance.

Dasa
Classification: Uncertain significance. Last evaluated: 2025-06-22. Review status: criteria provided, single submitter. Criteria: DASA Assertion Criteria. Collection method: clinical testing. Allele origin: germline.
Comment: NM_022725.4(FANCF):c.364C>G (p.Arg122Gly) is a missense variant that results in the substitution of arginine with glycine. This variant is rare in population databases. Computational prediction algorithms are consistent with a benign effect. The currently available literature and clinical evidence are not sufficient to establish a definitive association between this variant and the reported condition. Therefore, this variant is classified as a variant of uncertain significance.

Ambry Genetics
Classification: Uncertain significance for Inborn genetic diseases. Last evaluated: 2024-03-29. Review status: criteria provided, single submitter. Criteria: Ambry Variant Classification Scheme 2023. Collection method: clinical testing. Allele origin: germline.

Fulgent Genetics
Classification: Uncertain significance for Fanconi anemia complementation group F. Last evaluated: 2024-03-25. Review status: criteria provided, single submitter. Criteria: ACMG Guidelines, 2015. Collection method: clinical testing. Allele origin: germline.

NM_022725.4(FANCF):c.364C>G (p.Arg122Gly)

Gene: FANCF (FA complementation group F; minus strand). Cytogenetic location: 11p14.3.
Variant type: single nucleotide variant.
Coding change: c.364C>G on transcript NM_022725.4 (MANE Select); coding-DNA position 364, C replaced by G.
Protein change: p.Arg122Gly; replaces arginine 122 with glycine.
Molecular consequence: missense variant.
Genome position (GRCh38, 1-based): chr11:22,625,447, G>C on the plus strand (C>G on the coding strand, the complement: FANCF is on the minus strand). VCF-style: chr11-22625447-G-C. GRCh37 (hg19) VCF-style: chr11-22646993-G-C.
Other names: short protein forms R122G.
Identifiers: ClinVar variation 970279 (VCV000970279.12), dbSNP rs759470099, ClinGen allele CA5924358.